The following is an entry in ClinVar:

NM_000535.7(PMS2):c.221G>A (p.Gly74Glu)

Gene: PMS2 (PMS1 homolog 2, mismatch repair system component; minus strand). Cytogenetic location: 7p22.1.
Variant type: single nucleotide variant.
Coding change: c.221G>A on transcript NM_000535.7 (MANE Select); coding-DNA position 221, G replaced by A.
Protein change: p.Gly74Glu; replaces glycine 74 with glutamic acid.
Molecular consequence: missense variant. On other transcripts: 5 prime UTR variant (37), nonsense (7), non-coding transcript variant (1), intron variant (1).
Genome position (GRCh38, 1-based): chr7:6,004,001, C>T on the plus strand (G>A on the coding strand, the complement: PMS2 is on the minus strand). VCF-style: chr7-6004001-C-T. GRCh37 (hg19) VCF-style: chr7-6043632-C-T.
Other names: c.221G>A, p.Gly74Glu (NM_001406884.1, NM_001406885.1, NM_001406886.1 and 10 more transcripts); c.-185G>A (NM_001406887.1, NM_001406891.1, NM_001406893.1 and 14 more transcripts); c.-132G>A (NM_001406888.1, NM_001406889.1, NM_001406892.1 and 6 more transcripts); c.-175G>A (NM_001406890.1); c.-161G>A (NM_001406900.1, NM_001406881.1); c.6G>A, p.Trp2Ter (NM_001406901.1, NM_001406902.1, NM_001406903.1 and 4 more transcripts); c.-664G>A (NM_001322011.2, NM_001322012.2); c.-264G>A (NM_001322015.2, NM_001406875.1, NM_001406877.1 and 3 more transcripts); and 3 more; short protein forms G136E, G74E, W2*.
Identifiers: ClinVar variation 2674188 (VCV002674188.4), dbSNP rs876661272, ClinGen allele CA366744817.

ClinVar aggregate classification (germline): Likely pathogenic. Review status: criteria provided, multiple submitters, no conflicts (2 of 4 stars). 3 submissions from 3 submitters: Likely pathogenic (2). 1 of the submissions does not count toward it. Last evaluated 2025-03-04.

Conditions:
Lynch syndrome 4 (LYNCH4). Also called: Colorectal cancer, hereditary nonpolyposis, type 4; Hereditary non-polyposis colorectal cancer, type 4. Identifiers: Orphanet 144, MedGen C1838333, MONDO:0013699, OMIM 614337. Disease mechanism: loss of function.

Submissions (3):

Center for Genomic Medicine, Rigshospitalet, Copenhagen University Hospital
Classification: Likely pathogenic. Last evaluated: 2025-03-04. Review status: criteria provided, single submitter. Criteria: ACMG Guidelines, 2015. Collection method: clinical testing. Allele origin: germline.

Myriad Genetics, Inc.
Classification: Likely pathogenic for Lynch syndrome 4. Last evaluated: 2023-09-18. Review status: criteria provided, single submitter. Criteria: Myriad Autosomal Dominant, Autosomal Recessive and X-Linked Classification Criteria (2023). Collection method: clinical testing. Allele origin: unknown.
Comment: This variant is considered likely pathogenic. Functional studies indicate this variant impacts protein function [PMID: 35451539]. This variant is expected to disrupt protein structure [Myriad internal data].

Baylor Genetics
Classification: Uncertain significance for Lynch syndrome 4. Last evaluated: 2023-11-29. Review status: flagged submission. Criteria: ACMG Guidelines, 2015. Collection method: clinical testing. Allele origin: unknown. Not counted in ClinVar's aggregate classification.
ClinVar note: Reason: Claim with insufficient supporting evidence

Literature cited by the submitters: PubMed 31433215 (cited by Center for Genomic Medicine, Rigshospitalet, Copenhagen University Hospital); PubMed 35451539 (cited by Center for Genomic Medicine, Rigshospitalet, Copenhagen University Hospital and Myriad Genetics, Inc.).